The following is an entry in ClinVar:

ClinVar aggregate classification (germline): Benign/Likely benign. Review status: criteria provided, multiple submitters, no conflicts (2 of 4 stars). 3 submissions from 3 submitters: Benign (2); Likely benign (1). Last evaluated 2026-01-13.

Conditions:
Periventricular nodular heterotopia 6 (PVNH6). Identifiers: Orphanet 2149, MedGen C3809872, MONDO:0014240, OMIM 615544.

Allele frequency attached by ClinVar (database versions not stated): gnomAD exomes 0.00110 and 0.00295; ExAC 0.00355; 1000 Genomes Project 0.00879; 1000 Genomes Project 30x 0.00999; gnomAD 0.01163 and 0.01263; TOPMed 0.01293; ESP Exome Variant Server 0.01430.
gnomAD v4.1: 3,470 of 1,614,094 alleles (0.21%); highest among the groups gnomAD compares: African/African-American, 4%; 77 homozygotes.

Submissions (3):

Labcorp Genetics (formerly Invitae), Labcorp
Classification: Benign. Last evaluated: 2026-01-13. Review status: criteria provided, single submitter. Criteria: Invitae Variant Classification Sherloc (09022015). Collection method: clinical testing. Allele origin: germline.

Fulgent Genetics
Classification: Likely benign for Periventricular nodular heterotopia 6. Last evaluated: 2021-08-06. Review status: criteria provided, single submitter. Criteria: ACMG Guidelines, 2015. Collection method: clinical testing. Allele origin: unknown.

GeneDx
Classification: Benign. Last evaluated: 2016-06-16. Review status: criteria provided, single submitter. Criteria: GeneDx Variant Classification (06012015). Collection method: clinical testing. Allele origin: germline. Affected: yes.
Comment: This variant is considered likely benign or benign based on one or more of the following criteria: it is a conservative change, it occurs at a poorly conserved position in the protein, it is predicted to be benign by multiple in silico algorithms, and/or has population frequency not consistent with disease.

NM_018341.3(ERMARD):c.1014T>C (p.Asp338=)

Gene: ERMARD (ER membrane associated RNA degradation; plus strand). Cytogenetic location: 6q27.
Variant type: single nucleotide variant.
Coding change: c.1014T>C on transcript NM_018341.3 (MANE Select); coding-DNA position 1014, T replaced by C.
Protein change: p.Asp338=; no amino-acid change (aspartic acid 338 retained).
Molecular consequence: synonymous variant.
Genome position (GRCh38, 1-based): chr6:169,768,126, T>C. VCF-style: chr6-169768126-T-C. GRCh37 (hg19) VCF-style: chr6-170168222-T-C.
Other names: c.1014T>C, p.Asp338= (NM_001278531.2, NM_001278533.2); c.636T>C, p.Asp212= (NM_001278532.2).
Identifiers: ClinVar variation 384622 (VCV000384622.12), dbSNP rs61747671, ClinGen allele CA4106091.